The following is an entry in ClinVar:

NM_023036.6(DNAI2):c.1212-2A>C

Gene: DNAI2 (dynein axonemal intermediate chain 2; plus strand). Cytogenetic location: 17q25.1.
Variant type: single nucleotide variant.
Coding change: c.1212-2A>C on transcript NM_023036.6 (MANE Select); the canonical splice acceptor site of the intron before coding-DNA position 1212, A replaced by C.
Molecular consequence: splice acceptor variant.
Genome position (GRCh38, 1-based): chr17:74,309,251, A>C. VCF-style: chr17-74309251-A-C. GRCh37 (hg19) VCF-style: chr17-72305390-A-C.
Other names: c.1212-2A>C (NM_001353167.2, NM_001172810.3).
Identifiers: ClinVar variation 1750570 (VCV001750570.2), dbSNP rs2509762743, ClinGen allele CA400911541.

ClinVar aggregate classification (germline): Likely pathogenic (1 of 4 stars; one submission).

Conditions:
Primary ciliary dyskinesia. Also called: Ciliary dyskinesia. Identifiers: Orphanet 244, MedGen C0008780, MONDO:0016575, HP:0012265.

Submission:

Ambry Genetics
Classification: Likely pathogenic for Primary ciliary dyskinesia. Last evaluated: 2022-04-21. Review status: criteria provided, single submitter. Criteria: Ambry Variant Classification Scheme 2023. Collection method: clinical testing. Allele origin: germline.
Comment: The c.1212-2A>C intronic variant results from an A to C substitution two nucleotides before coding exon 9 of the DNAI2 gene. This variant is considered to be rare based on population cohorts in the Genome Aggregation Database (gnomAD). This nucleotide position is highly conserved in available vertebrate species. In silico splice site analysis predicts that this alteration will weaken the native splice acceptor site. Alterations that disrupt the canonical splice site are expected to cause aberrant splicing, resulting in an abnormal protein or a transcript that is subject to nonsense-mediated mRNA decay. As such, this alteration is classified as likely pathogenic.